The following is an entry in ClinVar:

NM_201384.3(PLEC):c.6314C>T (p.Ala2105Val)

Gene: PLEC (plectin; minus strand). Cytogenetic location: 8q24.3.
Variant type: single nucleotide variant.
Coding change: c.6314C>T on transcript NM_201384.3 (MANE Select); coding-DNA position 6314, C replaced by T.
Protein change: p.Ala2105Val; replaces alanine 2105 with valine.
Molecular consequence: missense variant.
Genome position (GRCh38, 1-based): chr8:143,923,615, G>A on the plus strand (C>T on the coding strand, the complement: PLEC is on the minus strand). VCF-style: chr8-143923615-G-A. GRCh37 (hg19) VCF-style: chr8-144997783-G-A.
Other names: p.Ala2091Val; c.6395C>T, p.Ala2132Val (NM_000445.5); c.6272C>T, p.Ala2091Val (NM_201378.4); c.6248C>T, p.Ala2083Val (NM_201379.3); c.6725C>T, p.Ala2242Val (NM_201380.4); c.6218C>T, p.Ala2073Val (NM_201381.3); c.6314C>T, p.Ala2105Val (NM_201382.4); c.6326C>T, p.Ala2109Val (NM_201383.3); short protein forms A2073V, A2083V, A2091V, A2105V, A2109V, A2132V, A2242V.
Identifiers: ClinVar variation 93072 (VCV000093072.21), dbSNP rs74772299, ClinGen allele CA146491.
Genomic context (GRCh38, chr8:143,923,615, plus strand): 5'-GCCTGCTCCTCTGCCGACTGCTTCAGCCGCTCGGCCTCTTCCACCTGCCGCCGGGACTGC[G>A]CCGCCTCACGCTCCGCCTGCACCCGGGCCTCCTCCGCCTCCTCAGCCGCCCGCCGGGCCG-3'
Protein context (NP_958786.1, residues 2095-2115): EARVQAEREA[Ala2105Val]QSRRQVEEAE

ClinVar aggregate classification (germline): Benign. Review status: criteria provided, multiple submitters, no conflicts (2 of 4 stars). 7 submissions from 7 submitters: Benign (6). 1 of the submissions does not count toward it. Last evaluated 2026-02-03.

Conditions:
Epidermolysis bullosa simplex with nail dystrophy (EBS5D). Identifiers: MedGen C4225309, MONDO:0014661, OMIM 616487.
Epidermolysis bullosa simplex 5C, with pyloric atresia (EBS5C). Also called: PLEC-Related Epidermolysis Bullosa with Pyloric Atresia; Epidermolysis bullosa simplex with pyloric atresia; PLEC1-Related Epidermolysis Bullosa with Pyloric Atresia. Identifiers: Orphanet 158684, MedGen C2677349, MONDO:0012807, OMIM 612138.
Epidermolysis bullosa simplex 5B, with muscular dystrophy (EBS5B). Also called: EPIDERMOLYSIS BULLOSA SIMPLEX AND LIMB-GIRDLE MUSCULAR DYSTROPHY; Epidermolysis bullosa simplex with muscular dystrophy. Identifiers: Orphanet 257, MedGen C2931072, MONDO:0009181, OMIM 226670.
Autosomal recessive limb-girdle muscular dystrophy type 2Q (LGMDR17). Also called: MUSCULAR DYSTROPHY, LIMB-GIRDLE, AUTOSOMAL RECESSIVE 17. Identifiers: Orphanet 254361, MedGen C3150989, MONDO:0013390, OMIM 613723.
Epidermolysis bullosa simplex, Ogna type (EBS5A). Also called: Pidermolysis bullosa simplex 5A, Ogna type; EPIDERMOLYSIS BULLOSA SIMPLEX 5A, OGNA TYPE. Identifiers: Orphanet 79401, MedGen C0432317, MONDO:0007555, OMIM 131950.

Allele frequency attached by ClinVar (database versions not stated): gnomAD 0.03697 and 0.04104; TOPMed 0.04338; gnomAD exomes 0.04664 and 0.06746; ESP Exome Variant Server 0.02823; 1000 Genomes Project 30x 0.06543; ExAC 0.07614; 1000 Genomes Project 0.06530.
gnomAD v4.1: 73,549 of 1,589,866 alleles (4.6%); highest among the groups gnomAD compares: Admixed American, 13%; 2,568 homozygotes.

Submissions (7):

Labcorp Genetics (formerly Invitae), Labcorp
Classification: Benign for Autosomal recessive limb-girdle muscular dystrophy type 2Q; Epidermolysis bullosa simplex, Ogna type; Epidermolysis bullosa simplex with nail dystrophy; Epidermolysis bullosa simplex 5C, with pyloric atresia; Epidermolysis bullosa simplex 5B, with muscular dystrophy. Last evaluated: 2026-02-03. Review status: criteria provided, single submitter. Criteria: Invitae Variant Classification Sherloc (09022015). Collection method: clinical testing. Allele origin: germline.

Mayo Clinic Laboratories, Mayo Clinic
Classification: Benign. Last evaluated: 2017-10-11. Review status: criteria provided, single submitter. Criteria: ACMG Guidelines, 2015. Collection method: clinical testing. Allele origin: germline. Observed: 137 variant alleles.

GeneDx
Classification: Benign. Last evaluated: 2016-03-04. Review status: criteria provided, single submitter. Criteria: GeneDx Variant Classification (06012015). Collection method: clinical testing. Allele origin: germline. Affected: yes.
Comment: This variant is considered likely benign or benign based on one or more of the following criteria: it is a conservative change, it occurs at a poorly conserved position in the protein, it is predicted to be benign by multiple in silico algorithms, and/or has population frequency not consistent with disease.

Eurofins Ntd Llc (ga)
Classification: Benign. Last evaluated: 2015-08-26. Review status: criteria provided, single submitter. Criteria: EGL Classification Definitions 2015. Collection method: clinical testing. Allele origin: germline. Observed: 1 variant allele, 1 heterozygote.

Laboratory for Molecular Medicine, Mass General Brigham Personalized Medicine
Classification: Benign. Last evaluated: 2015-01-13. Review status: criteria provided, single submitter. Criteria: LMM Criteria. Collection method: clinical testing. Allele origin: germline. Observed: 2 variant alleles.
Comment: p.Ala2242Val in exon 31 of PLEC: This variant is not expected to have clinical s ignificance because it has been identified in 3.7% (285/7654) of European Americ an chromosomes from a broad population by the NHLBI Exome Sequencing Project (dbSNP rs74772299).

Breakthrough Genomics
Classification: Benign. Review status: criteria provided, single submitter. Criteria: ACMG Guidelines, 2015. Collection method: not provided. Allele origin: germline. Inheritance: Autosomal recessive inheritance. Affected: yes.

Genetic Services Laboratory, University of Chicago
Classification: Likely benign for AllHighlyPenetrant. Review status: no assertion criteria provided. Collection method: clinical testing. Allele origin: germline. Inheritance: Autosomal recessive inheritance. Not counted in ClinVar's aggregate classification.
Comment: Likely benign based on allele frequency in 1000 Genomes Project or ESP global frequency and its presence in a patient with a rare or unrelated disease phenotype. NOT Sanger confirmed.